The following is an entry in ClinVar:

ClinVar aggregate classification (germline): Pathogenic/Likely pathogenic. Review status: criteria provided, multiple submitters, no conflicts (2 of 4 stars). 4 submissions from 4 submitters: Pathogenic (3); Likely pathogenic (1). Last evaluated 2025-11-27.

Conditions:
Autosomal recessive ataxia due to ubiquinone deficiency. Also called: SPINOCEREBELLAR ATAXIA, AUTOSOMAL RECESSIVE 9; Coenzyme Q10 deficiency, primary, 4. Identifiers: Orphanet 139485, MedGen C2677589, MONDO:0012784, OMIM 612016.

Allele frequency attached by ClinVar (database versions not stated): gnomAD 0.00001 and 0.00002; ExAC 0.00002; gnomAD exomes 0.00002 and 0.00003; TOPMed 0.00002.

Submissions (4):

Labcorp Genetics (formerly Invitae), Labcorp
Classification: Pathogenic. Last evaluated: 2025-11-27. Review status: criteria provided, single submitter. Criteria: Invitae Variant Classification Sherloc (09022015). Collection method: clinical testing. Allele origin: germline.
Comment: This sequence change is expected to alter the c-terminus of the COQ8A protein (p.Ser582Glufs*148). While this is not anticipated to result in nonsense mediated decay, it is expected to disrupt the last 66 amino acid(s) of the COQ8A protein and extend the protein by 81 additional amino acid residues. This variant is present in population databases (rs772127266, gnomAD 0.003%). This variant has not been reported in the literature in individuals affected with COQ8A-related conditions. ClinVar contains an entry for this variant (Variation ID: 286407). This variant disrupts a region of the COQ8A protein in which other variant(s) (p.Thr584del) have been determined to be pathogenic (PMID: 18319074, 26866375, 27572814, 29915382, 30637285). This suggests that this is a clinically significant region of the protein, and that variants that disrupt it are likely to be disease-causing. For these reasons, this variant has been classified as Pathogenic.

Women's Health and Genetics/Laboratory Corporation of America, LabCorp
Classification: Pathogenic for Autosomal recessive ataxia due to ubiquinone deficiency. Last evaluated: 2025-10-29. Review status: criteria provided, single submitter. Criteria: LabCorp Variant Classification Summary - May 2015. Collection method: clinical testing. Allele origin: germline.
Comment: Variant summary: COQ8A c.1742dupA (p.Ser582GlufsX148) causes a frameshift which results in an extension of the protein. The variant, c.1742dupA, was found at a frequency of 2e-05 in 251348 control chromosomes (gnomAD). To our knowledge, no occurrence of c.1742dupA in individuals affected with COQ8A-related conditions and no experimental evidence demonstrating its impact on protein function have been reported. However, other variants downstream, including frameshifts (resulting in the same frame), and in-frame change(s) have been reported in affected individuals and been classified as (likely) pathogenic by our lab (e.g. c.1844dupG (p.Ser616LeufsX114)). ClinVar contains an entry for this variant (Variation ID: 286407). Based on the evidence outlined above, the variant was classified as pathogenic.

GeneDx
Classification: Likely pathogenic. Last evaluated: 2024-12-10. Review status: criteria provided, single submitter. Criteria: GeneDx Variant Classification Process June 2021. Collection method: clinical testing. Allele origin: germline. Affected: yes.
Comment: Frameshift variant predicted to result in abnormal protein length as the last 66 amino acids are replaced with 147 different amino acids, and other similar variants have been reported in HGMD; Not observed at significant frequency in large population cohorts (gnomAD); Has not been previously published as pathogenic or benign to our knowledge

Eurofins Ntd Llc (ga)
Classification: Pathogenic. Last evaluated: 2016-03-02. Review status: criteria provided, single submitter. Criteria: EGL Classification Definitions. Collection method: clinical testing. Allele origin: germline. Observed: 1 variant allele, 1 heterozygote.

Literature cited by the submitters: PubMed 18319074 (cited by Labcorp Genetics (formerly Invitae), Labcorp); PubMed 26866375 (cited by Labcorp Genetics (formerly Invitae), Labcorp); PubMed 27572814 (cited by Labcorp Genetics (formerly Invitae), Labcorp); PubMed 29915382 (cited by Labcorp Genetics (formerly Invitae), Labcorp); PubMed 30637285 (cited by Labcorp Genetics (formerly Invitae), Labcorp).

NM_020247.5(COQ8A):c.1742dup (p.Ser582fs)

Gene: COQ8A (coenzyme Q8A; plus strand). Cytogenetic location: 1q42.13.
Variant type: Duplication.
Coding change: c.1742dup on transcript NM_020247.5 (MANE Select); coding-DNA position 1742, one base duplicated (A; older notation c.1742dupA).
Protein change: p.Ser582fs; shifts the reading frame from serine 582.
Molecular consequence: frameshift variant.
Genome position (GRCh38, 1-based): chr1:226,986,535, A duplicated. VCF-style (leftmost placement, unchanged base first): chr1-226986534-C-CA. GRCh37 (hg19) VCF-style: chr1-227174235-C-CA.
Other names: c.1742dupA (NM_020247.5); short protein forms S582fs.
Identifiers: ClinVar variation 286407 (VCV000286407.12), dbSNP rs772127266, ClinGen allele CA1425646.